The following is an entry in ClinVar:

NC_012920.1(MT-ND6):m.14249G>A

Gene: MT-ND6 (mitochondrially encoded NADH dehydrogenase 6; minus strand).
Variant type: single nucleotide variant.
Genome position: chrM-14249-G-A.
Identifiers: ClinVar variation 693697 (VCV000693697.1), dbSNP rs1556424407, ClinGen allele CA414821595.

ClinVar aggregate classification (germline): Benign (1 of 4 stars; one submission).

Conditions:
Leigh syndrome (NULS). Also called: Leigh's necrotizing encephalopathy; Leigh's disease; Leigh's syndrome; LEIGH SYNDROME, NUCLEAR; Leigh Syndrome (mtDNA deletion); Leigh Disease. Identifiers: Orphanet 506, MedGen C2931891, MONDO:0009723, OMIM 256000.

Submission:

Wong Mito Lab, Molecular and Human Genetics, Baylor College of Medicine
Classification: Benign for Leigh syndrome. Last evaluated: 2019-10-17. Review status: criteria provided, single submitter. Criteria: Modified ACMG Guidelines (Unpublished). Collection method: clinical testing. Allele origin: germline.
Comment: The NC_012920.1:m.14249G>A (YP_003024037.1:p.Ala142Val) variant in MTND6 gene is interpretated to be a Benign variant based on the modified ACMG guidelines (unpublished). This variant meets the following evidence codes: BS1, BS2, BP4